The following is an entry in ClinVar:

ClinVar aggregate classification (germline): Uncertain significance. Review status: criteria provided, multiple submitters, no conflicts (2 of 4 stars). 2 submissions from 2 submitters: Uncertain significance (2). Last evaluated 2023-12-14.

Conditions:
Spermatogenic failure 18. Identifiers: MedGen C4539783, MONDO:0054615, OMIM 617576.
Ciliary dyskinesia, primary, 37 (CILD37). Also called: CILIARY DYSKINESIA, PRIMARY, 37, WITH OR WITHOUT SITUS INVERSUS. Identifiers: MedGen C4539798, MONDO:0033204, OMIM 617577.

Allele frequency attached by ClinVar (database versions not stated): gnomAD exomes below 0.00001; TOPMed below 0.00001; ExAC 0.00001; gnomAD 0.00001; 1000 Genomes Project 30x 0.00016; 1000 Genomes Project 0.00020.
gnomAD v4.1: 3 of 1,608,316 alleles (0.00019%); highest among the groups gnomAD compares: Non-Finnish European, 0.00025%; no homozygotes.

Submissions (2):

GeneDx
Classification: Uncertain significance. Last evaluated: 2023-12-14. Review status: criteria provided, single submitter. Criteria: GeneDx Variant Classification Process June 2021. Collection method: clinical testing. Allele origin: germline. Affected: yes.
Comment: Not observed at significant frequency in large population cohorts (gnomAD); In silico analysis supports that this missense variant does not alter protein structure/function; This variant is associated with the following publications: (PMID: 37998386)

Labcorp Genetics (formerly Invitae), Labcorp
Classification: Uncertain significance for Ciliary dyskinesia, primary, 37; Spermatogenic failure 18. Last evaluated: 2022-05-06. Review status: criteria provided, single submitter. Criteria: Invitae Variant Classification Sherloc (09022015). Collection method: clinical testing. Allele origin: germline.
Comment: In summary, the available evidence is currently insufficient to determine the role of this variant in disease. Therefore, it has been classified as a Variant of Uncertain Significance. This sequence change replaces isoleucine, which is neutral and non-polar, with valine, which is neutral and non-polar, at codon 2545 of the DNAH1 protein (p.Ile2545Val). This variant is present in population databases (rs201633223, gnomAD 0.0009%). This variant has not been reported in the literature in individuals affected with DNAH1-related conditions. Algorithms developed to predict the effect of missense changes on protein structure and function output the following: SIFT: "Tolerated"; PolyPhen-2: "Benign"; Align-GVGD: "Class C0". The valine amino acid residue is found in multiple mammalian species, which suggests that this missense change does not adversely affect protein function.

NM_015512.5(DNAH1):c.7633A>G (p.Ile2545Val)

Gene: DNAH1 (dynein axonemal heavy chain 1; plus strand). Cytogenetic location: 3p21.1.
Variant type: single nucleotide variant.
Coding change: c.7633A>G on transcript NM_015512.5 (MANE Select); coding-DNA position 7633, A replaced by G.
Protein change: p.Ile2545Val; replaces isoleucine 2545 with valine.
Molecular consequence: missense variant.
Genome position (GRCh38, 1-based): chr3:52,381,664, A>G. VCF-style: chr3-52381664-A-G. GRCh37 (hg19) VCF-style: chr3-52415680-A-G.
Other names: c.7633A>G (NM_015512.4); short protein forms I2545V.
Identifiers: ClinVar variation 1920635 (VCV001920635.6), dbSNP rs201633223, ClinGen allele CA2434939.